The following is an entry in ClinVar:

ClinVar aggregate classification (germline): Uncertain significance (1 of 4 stars; one submission).

Conditions:
Congenital disorder of glycosylation, type Iaa. Also called: Congenital disorder of glycosylation, type 1aa. Identifiers: MedGen C4310727, MONDO:0014904, OMIM 617082.

Submission:

Labcorp Genetics (formerly Invitae), Labcorp
Classification: Uncertain significance for Congenital disorder of glycosylation, type Iaa. Last evaluated: 2025-07-21. Review status: criteria provided, single submitter. Criteria: Invitae Variant Classification Sherloc (09022015). Collection method: clinical testing. Allele origin: germline.
Comment: This sequence change replaces asparagine, which is neutral and polar, with lysine, which is basic and polar, at codon 144 of the NUS1 protein (p.Asn144Lys). This variant is not present in population databases (gnomAD no frequency). This missense change has been observed in individual(s) with Parkinson disease (PMID: 30348779, 31582230). An algorithm developed to predict the effect of missense changes on protein structure and function (PolyPhen-2) suggests that this variant is likely to be disruptive. In summary, the available evidence is currently insufficient to determine the role of this variant in disease. Therefore, it has been classified as a Variant of Uncertain Significance.

Literature cited by the submitters: PubMed 30348779; PubMed 31582230.

NM_138459.5(NUS1):c.432T>G (p.Asn144Lys)

Gene: NUS1 (NUS1 dehydrodolichyl diphosphate synthase subunit; plus strand). Cytogenetic location: 6q22.1.
Variant type: single nucleotide variant.
Coding change: c.432T>G on transcript NM_138459.5 (MANE Select); coding-DNA position 432, T replaced by G.
Protein change: p.Asn144Lys; replaces asparagine 144 with lysine.
Molecular consequence: missense variant.
Genome position (GRCh38, 1-based): chr6:117,693,058, T>G. VCF-style: chr6-117693058-T-G. GRCh37 (hg19) VCF-style: chr6-118014221-T-G.
Other names: short protein forms N144K.
Identifiers: ClinVar variation 4739084 (VCV004739084.1).